The following is an entry in ClinVar:

NC_000012.11:g.(?_58160610)_(58160824_?)del

Gene: CYP27B1 (cytochrome P450 family 27 subfamily B member 1; minus strand). Cytogenetic location: 12q14.1.
Variant type: Deletion.
Identifiers: ClinVar variation 3244359 (VCV003244359.1).

ClinVar aggregate classification (germline): Pathogenic (1 of 4 stars; one submission).

Submission:

Labcorp Genetics (formerly Invitae), Labcorp
Classification: Pathogenic. Last evaluated: 2024-01-04. Review status: criteria provided, single submitter. Criteria: Invitae Variant Classification Sherloc (09022015). Collection method: clinical testing. Allele origin: unknown.
Comment: This variant is a gross deletion of the genomic region encompassing exon(s) 1 of the CYP27B1 gene, which includes the initiator codon. This deletion extends beyond the assayed region for this gene and therefore may encompass additional genes. It is expected to result in an absent or disrupted protein product. Loss-of-function variants in CYP27B1 are known to be pathogenic (PMID: 9837822, 17488797). This variant has not been reported in the literature in individuals affected with CYP27B1-related conditions. For these reasons, this variant has been classified as Pathogenic.

Literature cited by the submitters: PubMed 9837822; PubMed 17488797.